The following is an entry in ClinVar:

ClinVar aggregate classification (germline): Uncertain significance (1 of 4 stars; one submission).

Conditions:
Immunodeficiency 14 (IMD14A). Also called: Activated PI3K Delta Syndrome Type 1 (APDS1); p110-DELTA-ACTIVATING MUTATION CAUSING SENESCENT T CELLS, LYMPHADENOPATHY, AND IMMUNODEFICIENCY; IMMUNODEFICIENCY 14A WITH LYMPHOPROLIFERATION, AUTOSOMAL DOMINANT; ACTIVATED PI3K-DELTA SYNDROME 1. Identifiers: Orphanet 397596, Orphanet 693661, MedGen C5907821, MONDO:0014222, OMIM 615513.

Submission:

Labcorp Genetics (formerly Invitae), Labcorp
Classification: Uncertain significance for Activated PI3K-delta syndrome. Last evaluated: 2023-08-04. Review status: criteria provided, single submitter. Criteria: Invitae Variant Classification Sherloc (09022015). Collection method: clinical testing. Allele origin: germline.
Comment: This sequence change replaces aspartic acid, which is acidic and polar, with valine, which is neutral and non-polar, at codon 853 of the PIK3CD protein (p.Asp853Val). This variant is not present in population databases (gnomAD no frequency). This variant has not been reported in the literature in individuals affected with PIK3CD-related conditions. ClinVar contains an entry for this variant (Variation ID: 2007782). Advanced modeling of protein sequence and biophysical properties (such as structural, functional, and spatial information, amino acid conservation, physicochemical variation, residue mobility, and thermodynamic stability) performed at Invitae indicates that this missense variant is expected to disrupt PIK3CD protein function. Algorithms developed to predict the effect of sequence changes on RNA splicing suggest that this variant may create or strengthen a splice site. In summary, the available evidence is currently insufficient to determine the role of this variant in disease. Therefore, it has been classified as a Variant of Uncertain Significance.

NM_005026.5(PIK3CD):c.2558A>T (p.Asp853Val)

Gene: PIK3CD (phosphatidylinositol-4,5-bisphosphate 3-kinase catalytic subunit delta; plus strand). Cytogenetic location: 1p36.22.
Variant type: single nucleotide variant.
Coding change: c.2558A>T on transcript NM_005026.5 (MANE Select); coding-DNA position 2558, A replaced by T.
Protein change: p.Asp853Val; replaces aspartic acid 853 with valine.
Molecular consequence: missense variant.
Genome position (GRCh38, 1-based): chr1:9,723,256, A>T. VCF-style: chr1-9723256-A-T. GRCh37 (hg19) VCF-style: chr1-9783314-A-T.
Other names: c.2555A>T, p.Asp852Val (NM_001350234.2); c.2471A>T, p.Asp824Val (NM_001350235.1); short protein forms D824V, D852V, D853V.
Identifiers: ClinVar variation 2007782 (VCV002007782.4), dbSNP rs1194777620, ClinGen allele CA338306471.